The following is an entry in ClinVar:

NM_014915.3(ANKRD26):c.1762G>A (p.Gly588Arg)

Gene: ANKRD26 (ankyrin repeat domain containing 26; minus strand). Cytogenetic location: 10p12.1.
Variant type: single nucleotide variant.
Coding change: c.1762G>A on transcript NM_014915.3 (MANE Select); coding-DNA position 1762, G replaced by A.
Protein change: p.Gly588Arg; replaces glycine 588 with arginine.
Molecular consequence: missense variant.
Genome position (GRCh38, 1-based): chr10:27,048,853, C>T on the plus strand (G>A on the coding strand, the complement: ANKRD26 is on the minus strand). VCF-style: chr10-27048853-C-T. GRCh37 (hg19) VCF-style: chr10-27337782-C-T.
Other names: c.1762G>A, p.Gly588Arg (NM_001256053.2); short protein forms G588R.
Identifiers: ClinVar variation 3871495 (VCV003871495.1).

ClinVar aggregate classification (germline): Uncertain significance (1 of 4 stars; one submission).

Conditions:
Inborn genetic diseases. Identifiers: MedGen C0950123, MeSH D030342.

Submission:

Ambry Genetics
Classification: Uncertain significance for Inborn genetic diseases. Last evaluated: 2025-02-21. Review status: criteria provided, single submitter. Criteria: Ambry Variant Classification Scheme 2023. Collection method: clinical testing. Allele origin: germline.
Comment: The p.G588R variant (also known as c.1762G>A), located in coding exon 17 of the ANKRD26 gene, results from a G to A substitution at nucleotide position 1762. The glycine at codon 588 is replaced by arginine, an amino acid with dissimilar properties. This amino acid position is conserved. In addition, this alteration is predicted to be tolerated by in silico analysis. Based on the available evidence, the clinical significance of this variant remains unclear.